The following is an entry in ClinVar:

NM_012073.5(CCT5):c.1474G>A (p.Asp492Asn)

Gene: CCT5 (chaperonin containing TCP1 subunit 5; plus strand). Cytogenetic location: 5p15.2.
Variant type: single nucleotide variant.
Coding change: c.1474G>A on transcript NM_012073.5 (MANE Select); coding-DNA position 1474, G replaced by A.
Protein change: p.Asp492Asn; replaces aspartic acid 492 with asparagine.
Molecular consequence: missense variant.
Genome position (GRCh38, 1-based): chr5:10,263,290, G>A. VCF-style: chr5-10263290-G-A. GRCh37 (hg19) VCF-style: chr5-10263402-G-A.
Other names: c.1411G>A, p.Asp471Asn (NM_001306153.1); c.1309G>A, p.Asp437Asn (NM_001306154.2); c.1195G>A, p.Asp399Asn (NM_001306155.2); c.1360G>A, p.Asp454Asn (NM_001306156.2); short protein forms D492N, D437N, D399N, D471N, D454N.
Identifiers: ClinVar variation 350259 (VCV000350259.8), dbSNP rs749250007, ClinGen allele CA3198377.

ClinVar aggregate classification (germline): Uncertain significance (1 of 4 stars; one submission).

Conditions:
Hereditary sensory and autonomic neuropathy with spastic paraplegia (HSNSP). Identifiers: Orphanet 139578, MedGen C1850395, MONDO:0009748, OMIM 256840.

gnomAD v4.1: 30 of 1,606,600 alleles (0.0019%); highest among the groups gnomAD compares: South Asian, 0.019%; no homozygotes.

Submission:

Labcorp Genetics (formerly Invitae), Labcorp
Classification: Uncertain significance for Hereditary sensory and autonomic neuropathy with spastic paraplegia. Last evaluated: 2023-07-17. Review status: criteria provided, single submitter. Criteria: Invitae Variant Classification Sherloc (09022015). Collection method: clinical testing. Allele origin: germline.
Comment: This variant has not been reported in the literature in individuals affected with CCT5-related conditions. ClinVar contains an entry for this variant (Variation ID: 350259). Advanced modeling of protein sequence and biophysical properties (such as structural, functional, and spatial information, amino acid conservation, physicochemical variation, residue mobility, and thermodynamic stability) performed at Invitae indicates that this missense variant is not expected to disrupt CCT5 protein function. In summary, the available evidence is currently insufficient to determine the role of this variant in disease. Therefore, it has been classified as a Variant of Uncertain Significance. This variant is present in population databases (rs749250007, gnomAD 0.03%). This sequence change replaces aspartic acid, which is acidic and polar, with asparagine, which is neutral and polar, at codon 492 of the CCT5 protein (p.Asp492Asn).